The following is an entry in ClinVar:

NM_003243.5(TGFBR3):c.1926_1927del (p.Pro643fs)

Gene: TGFBR3 (transforming growth factor beta receptor 3; minus strand). Cytogenetic location: 1p22.1.
Variant type: Microsatellite.
Coding change: c.1926_1927del on transcript NM_003243.5 (MANE Select); coding-DNA positions 1926 to 1927, 2 bases deleted (TC; older notation c.1926_1927delTC).
Protein change: p.Pro643fs; shifts the reading frame from proline 643.
Molecular consequence: frameshift variant. On other transcripts: non-coding transcript variant (1).
Genome position (GRCh38, 1-based): chr1:91,712,482-91,712,483, GA deleted on the plus strand (TC on the coding strand, the reverse complement: TGFBR3 is on the minus strand); deleting any 2 consecutive bases within chr1:91,712,482-91,712,487 gives the same sequence; the c. name uses the placement nearest the transcript's 3' end. VCF-style (leftmost placement, unchanged base first): chr1-91712481-GGA-G. GRCh37 (hg19) VCF-style: chr1-92178038-GGA-G.
Other names: c.1923_1924del, p.Pro642fs (NM_001195683.2, NM_001195684.1); short protein forms P643fs, P642fs.
Identifiers: ClinVar variation 4984905 (VCV004984905.1).

ClinVar aggregate classification (germline): Uncertain significance (1 of 4 stars; one submission).

Conditions:
TGFBR3-related disorder. Also called: TGFBR3-related condition.

Submission:

PreventionGenetics, part of Exact Sciences
Classification: Uncertain significance for TGFBR3-related condition. Last evaluated: 2025-12-23. Review status: criteria provided, single submitter. Criteria: ACMG Guidelines, 2015. Collection method: clinical testing. Allele origin: germline.
Comment: The TGFBR3 c.1926_1927delTC variant is predicted to result in a frameshift and premature protein termination (p.Pro643Ilefs*5). To our knowledge, this variant has not been reported in the literature or in a large population database (gnomAD), indicating this variant is rare. At this time, the clinical significance of this variant is uncertain due to the absence of conclusive functional and genetic evidence.